The following is an entry in ClinVar:

NM_000059.4(BRCA2):c.2636C>T (p.Ser879Phe)

Gene: BRCA2 (BRCA2 DNA repair associated; plus strand). Cytogenetic location: 13q13.1.
Variant type: single nucleotide variant.
Coding change: c.2636C>T on transcript NM_000059.4 (MANE Select); coding-DNA position 2636, C replaced by T.
Protein change: p.Ser879Phe; replaces serine 879 with phenylalanine.
Molecular consequence: missense variant. On other transcripts: non-coding transcript variant (1), intron variant (2).
Genome position (GRCh38, 1-based): chr13:32,336,991, C>T. VCF-style: chr13-32336991-C-T. GRCh37 (hg19) VCF-style: chr13-32911128-C-T.
Other names: c.2636C>T, p.Ser879Phe (NM_001406719.1, NM_001406720.1); c.1909+3604C>T (NM_001406721.1); c.424+5961C>T (NM_001406722.1); short protein forms S879F.
Identifiers: ClinVar variation 2806614 (VCV002806614.4), dbSNP rs1064793412, ClinGen allele CA387773247.

ClinVar aggregate classification (germline): Uncertain significance. Review status: criteria provided, multiple submitters, no conflicts (2 of 4 stars). 2 submissions from 2 submitters: Uncertain significance (2). Last evaluated 2025-07-08.

Conditions:
Hereditary breast ovarian cancer syndrome. Also called: Hereditary breast and ovarian cancer syndrome; Breast and ovarian cancer; BRCA1- and BRCA2-Associated Hereditary Breast and Ovarian Cancer; Hereditary breast and ovarian cancer syndrome (HBOC); Hereditary breast and/or ovarian cancer syndrome; Hereditary breast and ovarian cancer. Identifiers: Orphanet 145, MedGen C0677776, MeSH D061325, MONDO:0003582. Disease mechanism: loss of function.
Hereditary cancer-predisposing syndrome. Also called: Hereditary neoplastic syndrome; Neoplastic Syndromes, Hereditary; Hereditary Cancer Syndrome; Tumor predisposition. Identifiers: Orphanet 140162, MedGen C0027672, MeSH D009386, MONDO:0015356.

Submissions (2):

Ambry Genetics
Classification: Uncertain significance for Hereditary cancer-predisposing syndrome. Last evaluated: 2025-07-08. Review status: criteria provided, single submitter. Criteria: Ambry Variant Classification Scheme 2023. Collection method: clinical testing. Allele origin: germline.
Comment: The p.S879F variant (also known as c.2636C>T), located in coding exon 10 of the BRCA2 gene, results from a C to T substitution at nucleotide position 2636. The serine at codon 879 is replaced by phenylalanine, an amino acid with highly dissimilar properties. This variant was identified in a cohort of 3,579 African males diagnosed with prostate cancer who underwent multi-gene panel testing of 19 DNA repair and cancer predisposition genes (Matejcic M et al. JCO Precis Oncol, 2020 Jan;4:32-43). This amino acid position is not well conserved in available vertebrate species. In addition, the in silico prediction for this alteration is inconclusive. Based on the available evidence, the clinical significance of this variant remains unclear.

Labcorp Genetics (formerly Invitae), Labcorp
Classification: Uncertain significance for Hereditary breast ovarian cancer syndrome. Last evaluated: 2023-05-15. Review status: criteria provided, single submitter. Criteria: Invitae Variant Classification Sherloc (09022015). Collection method: clinical testing. Allele origin: germline.
Comment: This sequence change replaces serine, which is neutral and polar, with phenylalanine, which is neutral and non-polar, at codon 879 of the BRCA2 protein (p.Ser879Phe). In summary, the available evidence is currently insufficient to determine the role of this variant in disease. Therefore, it has been classified as a Variant of Uncertain Significance. Advanced modeling of protein sequence and biophysical properties (such as structural, functional, and spatial information, amino acid conservation, physicochemical variation, residue mobility, and thermodynamic stability) performed at Invitae indicates that this missense variant is not expected to disrupt BRCA2 protein function. This variant has not been reported in the literature in individuals affected with BRCA2-related conditions. This variant is not present in population databases (gnomAD no frequency).

Literature cited by the submitters: PubMed 32832836 (cited by Ambry Genetics).